The following is an entry in ClinVar:

ClinVar aggregate classification (germline): Likely benign (1 of 4 stars; one submission).

Submission:

CeGaT Center for Human Genetics Tuebingen
Classification: Likely benign. Last evaluated: 2026-08-01. Review status: criteria provided, single submitter. Criteria: CeGaT Center For Human Genetics Tuebingen Variant Classification Criteria Version 2. Collection method: clinical testing. Allele origin: germline. Affected: yes. Observed: 1 variant allele.
Comment: AHNAK2: BP4, BP7

NM_138420.4(AHNAK2):c.2490C>T (p.Asp830=)

Gene: AHNAK2 (AHNAK nucleoprotein 2; minus strand). Cytogenetic location: 14q32.33.
Variant type: single nucleotide variant.
Coding change: c.2490C>T on transcript NM_138420.4 (MANE Select); coding-DNA position 2490, C replaced by T.
Protein change: p.Asp830=; no amino-acid change (aspartic acid 830 retained).
Molecular consequence: synonymous variant.
Genome position (GRCh38, 1-based): chr14:104,952,961, G>A on the plus strand (C>T on the coding strand, the complement: AHNAK2 is on the minus strand). VCF-style: chr14-104952961-G-A. GRCh37 (hg19) VCF-style: chr14-105419298-G-A.
Other names: c.2190C>T, p.Asp730= (NM_001350929.2).
Identifiers: ClinVar variation 5038582 (VCV005038582.1).